The following is an entry in ClinVar:

ClinVar aggregate classification (germline): Pathogenic. Review status: criteria provided, multiple submitters, no conflicts (2 of 4 stars). 2 submissions from 2 submitters: Pathogenic (2). Last evaluated 2024-08-28.

Conditions:
Duchenne muscular dystrophy (DMD). Also called: MUSCULAR DYSTROPHY, PSEUDOHYPERTROPHIC PROGRESSIVE, DUCHENNE TYPE; Duchenne Muscular Dystrophy (DMD). Identifiers: Orphanet 98896, MedGen C0013264, MONDO:0010679, OMIM 310200.

Submissions (2):

Labcorp Genetics (formerly Invitae), Labcorp
Classification: Pathogenic for Duchenne muscular dystrophy. Last evaluated: 2024-08-28. Review status: criteria provided, single submitter. Criteria: Invitae Variant Classification Sherloc (09022015). Collection method: clinical testing. Allele origin: germline.
Comment: This sequence change affects a donor splice site in intron 8 of the DMD gene. It is expected to disrupt RNA splicing. Variants that disrupt the donor or acceptor splice site typically lead to a loss of protein function (PMID: 16199547), and loss-of-function variants in DMD are known to be pathogenic (PMID: 16770791, 25007885). This variant is not present in population databases (gnomAD no frequency). Disruption of this splice site has been observed in individuals with Duchenne or Becker muscular dystrophy (PMID: 28859693). ClinVar contains an entry for this variant (Variation ID: 595152). Algorithms developed to predict the effect of sequence changes on RNA splicing suggest that this variant may disrupt the consensus splice site. For these reasons, this variant has been classified as Pathogenic.

Eurofins Ntd Llc (ga)
Classification: Pathogenic. Last evaluated: 2017-12-01. Review status: criteria provided, single submitter. Criteria: EGL Classification Definitions 2015. Collection method: clinical testing. Allele origin: germline. Observed: 1 variant allele, 1 hemizygote.

Literature cited by the submitters: PubMed 16199547 (cited by Labcorp Genetics (formerly Invitae), Labcorp); PubMed 16770791 (cited by Labcorp Genetics (formerly Invitae), Labcorp); PubMed 25007885 (cited by Labcorp Genetics (formerly Invitae), Labcorp); PubMed 28859693 (cited by Labcorp Genetics (formerly Invitae), Labcorp).

NM_004006.3(DMD):c.831+1G>T

Gene: DMD (dystrophin; minus strand). Cytogenetic location: Xp21.1.
Variant type: single nucleotide variant.
Coding change: c.831+1G>T on transcript NM_004006.3 (MANE Select); the canonical splice donor site of the intron after coding-DNA position 831, G replaced by T.
Molecular consequence: splice donor variant.
Genome position (GRCh38, 1-based): chrX:32,699,111, C>A on the plus strand (G>T on the coding strand, the complement: DMD is on the minus strand). VCF-style: chrX-32699111-C-A. GRCh37 (hg19) VCF-style: chrX-32717228-C-A.
Other names: c.807+1G>T (NM_000109.4); c.819+1G>T (NM_004009.3); c.462+1G>T (NM_004010.3).
Identifiers: ClinVar variation 595152 (VCV000595152.16), dbSNP rs1239018406, ClinGen allele CA412668776.